The following is an entry in ClinVar:

NM_144997.7(FLCN):c.56T>C (p.Leu19Pro)

Gene: FLCN (folliculin; minus strand). Cytogenetic location: 17p11.2.
Variant type: single nucleotide variant.
Coding change: c.56T>C on transcript NM_144997.7 (MANE Select); coding-DNA position 56, T replaced by C.
Protein change: p.Leu19Pro; replaces leucine 19 with proline.
Molecular consequence: missense variant.
Genome position (GRCh38, 1-based): chr17:17,228,082, A>G on the plus strand (T>C on the coding strand, the complement: FLCN is on the minus strand). VCF-style: chr17-17228082-A-G. GRCh37 (hg19) VCF-style: chr17-17131396-A-G.
Other names: c.56T>C, p.Leu19Pro (NM_001353229.2, NM_001353230.2, NM_001353231.2 and 1 more transcripts); short protein forms L19P.
Identifiers: ClinVar variation 851074 (VCV000851074.8), dbSNP rs2047313909, ClinGen allele CA398535419.

ClinVar aggregate classification (germline): Uncertain significance. Review status: criteria provided, multiple submitters, no conflicts (2 of 4 stars). 2 submissions from 2 submitters: Uncertain significance (2). Last evaluated 2026-01-03.

Conditions:
Birt-Hogg-Dube syndrome. Also called: Birt Hogg Dubé syndrome. Identifiers: Orphanet 122, MedGen C0346010, MONDO:0800444.
Hereditary cancer-predisposing syndrome. Also called: Hereditary Cancer Syndrome; Tumor predisposition; Neoplastic Syndromes, Hereditary; Hereditary neoplastic syndrome. Identifiers: Orphanet 140162, MedGen C0027672, MeSH D009386, MONDO:0015356.

Allele frequency attached by ClinVar (database versions not stated): gnomAD exomes below 0.00001.
gnomAD v4.1: 5 of 1,613,580 alleles (0.00031%); highest among the groups gnomAD compares: Non-Finnish European, 0.00042%; no homozygotes.

Submissions (2):

Ambry Genetics
Classification: Uncertain significance for Hereditary cancer-predisposing syndrome. Last evaluated: 2026-01-03. Review status: criteria provided, single submitter. Criteria: Ambry Variant Classification Scheme 2023. Collection method: clinical testing. Allele origin: germline.
Comment: The p.L19P variant (also known as c.56T>C), located in coding exon 1 of the FLCN gene, results from a T to C substitution at nucleotide position 56. The leucine at codon 19 is replaced by proline, an amino acid with similar properties. This amino acid position is conserved. In addition, this alteration is predicted to be deleterious by in silico analysis. Based on the available evidence, the clinical significance of this variant remains unclear.

Labcorp Genetics (formerly Invitae), Labcorp
Classification: Uncertain significance for Birt-Hogg-Dube syndrome. Last evaluated: 2019-11-20. Review status: criteria provided, single submitter. Criteria: Invitae Variant Classification Sherloc (09022015). Collection method: clinical testing. Allele origin: germline.
Comment: This sequence change replaces leucine with proline at codon 19 of the FLCN protein (p.Leu19Pro). The leucine residue is moderately conserved and there is a moderate physicochemical difference between leucine and proline. In summary, the available evidence is currently insufficient to determine the role of this variant in disease. Therefore, it has been classified as a Variant of Uncertain Significance. Algorithms developed to predict the effect of missense changes on protein structure and function are either unavailable or do not agree on the potential impact of this missense change (SIFT: "Deleterious"; PolyPhen-2: "Probably Damaging"; Align-GVGD: "Class C0"). This variant has not been reported in the literature in individuals with FLCN-related conditions. This variant is not present in population databases (ExAC no frequency).